The following is an entry in ClinVar:

ClinVar aggregate classification (germline): Likely benign. Review status: criteria provided, multiple submitters, no conflicts (2 of 4 stars). 2 submissions from 2 submitters: Likely benign (2). Last evaluated 2018-06-16.

Allele frequency attached by ClinVar (database versions not stated): 1000 Genomes Project 0.01258; 1000 Genomes Project 30x 0.01265; gnomAD 0.01278 and 0.01372; ESP Exome Variant Server 0.01324; TOPMed 0.01480.
gnomAD v4.1: 3,208 of 1,206,198 alleles (0.27%); highest among the groups gnomAD compares: African/African-American, 4.5%; 67 homozygotes.

Submissions (2):

GeneDx
Classification: Likely benign. Last evaluated: 2018-06-16. Review status: criteria provided, single submitter. Criteria: GeneDx Variant Classification (06012015). Collection method: clinical testing. Allele origin: germline. Affected: yes.
Comment: This variant is considered likely benign or benign based on one or more of the following criteria: it is a conservative change, it occurs at a poorly conserved position in the protein, it is predicted to be benign by multiple in silico algorithms, and/or has population frequency not consistent with disease.

Breakthrough Genomics
Classification: Likely benign. Review status: criteria provided, single submitter. Criteria: ACMG Guidelines, 2015. Collection method: not provided. Allele origin: germline. Inheritance: Autosomal recessive inheritance. Affected: yes.

NM_003672.4(CDC14A):c.607+30C>A

Gene: CDC14A (cell division cycle 14A; plus strand). Cytogenetic location: 1p21.2.
Variant type: single nucleotide variant.
Coding change: c.607+30C>A on transcript NM_003672.4 (MANE Select); 30 bases into the intron after coding-DNA position 607, C replaced by A.
Molecular consequence: intron variant.
Genome position (GRCh38, 1-based): chr1:100,455,522, C>A. VCF-style: chr1-100455522-C-A. GRCh37 (hg19) VCF-style: chr1-100921078-C-A.
Other names: c.433+30C>A (NM_001319211.2); c.607+30C>A (NM_001319210.2, NM_033312.3, NM_033313.3); c.-272-7129C>A (NM_001319212.2).
Identifiers: ClinVar variation 684185 (VCV000684185.2), dbSNP rs28364873, ClinGen allele CA970639.